The following is an entry in ClinVar:

NM_000535.7(PMS2):c.2232A>C (p.Glu744Asp)

Gene: PMS2 (PMS1 homolog 2, mismatch repair system component; minus strand). Cytogenetic location: 7p22.1.
Variant type: single nucleotide variant.
Coding change: c.2232A>C on transcript NM_000535.7 (MANE Select); coding-DNA position 2232, A replaced by C.
Protein change: p.Glu744Asp; replaces glutamic acid 744 with aspartic acid.
Molecular consequence: missense variant. On other transcripts: non-coding transcript variant (1), intron variant (2).
Genome position (GRCh38, 1-based): chr7:5,978,639, T>G on the plus strand (A>C on the coding strand, the complement: PMS2 is on the minus strand). VCF-style: chr7-5978639-T-G. GRCh37 (hg19) VCF-style: chr7-6018270-T-G.
Other names: c.1827A>C, p.Glu609Asp (NM_001018040.1, NM_001322003.2, NM_001322004.2 and 15 more transcripts); c.2076A>C, p.Glu692Asp (NM_001322006.2, NM_001406870.1); c.1914A>C, p.Glu638Asp (NM_001322007.2, NM_001322008.2, NM_001406876.1 and 1 more transcripts); c.1671A>C, p.Glu557Asp (NM_001322010.2, NM_001406906.1, NM_001406907.1); c.1299A>C, p.Glu433Asp (NM_001322011.2, NM_001322012.2); c.1659A>C, p.Glu553Asp (NM_001322013.2, NM_001406908.1, NM_001406909.1); c.2232A>C, p.Glu744Asp (NM_001322014.2); c.1923A>C, p.Glu641Asp (NM_001322015.2, NM_001406875.1, NM_001406877.1 and 5 more transcripts); and 16 more; short protein forms E589D, E609D, E622D, E632D, E636D, E638D, E641D, E678D.
Identifiers: ClinVar variation 3232007 (VCV003232007.1), dbSNP rs2535392119, ClinGen allele CA366736679.

ClinVar aggregate classification (germline): Uncertain significance (1 of 4 stars; one submission).

Conditions:
Hereditary cancer-predisposing syndrome. Also called: Neoplastic Syndromes, Hereditary; Tumor predisposition; Hereditary neoplastic syndrome; Hereditary Cancer Syndrome. Identifiers: Orphanet 140162, MedGen C0027672, MeSH D009386, MONDO:0015356.

Submission:

Ambry Genetics
Classification: Uncertain significance for Hereditary cancer-predisposing syndrome. Last evaluated: 2023-12-01. Review status: criteria provided, single submitter. Criteria: Ambry Variant Classification Scheme 2023. Collection method: clinical testing. Allele origin: germline.
Comment: The p.E744D variant (also known as c.2232A>C), located in coding exon 13 of the PMS2 gene, results from an A to C substitution at nucleotide position 2232. The glutamic acid at codon 744 is replaced by aspartic acid, an amino acid with highly similar properties. This amino acid position is conserved. In addition, this alteration is predicted to be tolerated by in silico analysis. Since supporting evidence is limited at this time, the clinical significance of this alteration remains unclear.